The following is an entry in ClinVar:

NM_000435.3(NOTCH3):c.6208G>C (p.Ala2070Pro)

Gene: NOTCH3 (notch receptor 3; minus strand). Cytogenetic location: 19p13.12.
Variant type: single nucleotide variant.
Coding change: c.6208G>C on transcript NM_000435.3 (MANE Select); coding-DNA position 6208, G replaced by C.
Protein change: p.Ala2070Pro; replaces alanine 2070 with proline.
Molecular consequence: missense variant.
Genome position (GRCh38, 1-based): chr19:15,161,420, C>G on the plus strand (G>C on the coding strand, the complement: NOTCH3 is on the minus strand). VCF-style: chr19-15161420-C-G. GRCh37 (hg19) VCF-style: chr19-15272231-C-G.
Other names: short protein forms A2070P.
Identifiers: ClinVar variation 3897140 (VCV003897140.2).
Genomic context (GRCh38, chr19:15,161,420, plus strand): 5'-CCGGGCAGGCCAGCGTCAGCTTCTTGCCCCGCCCCCGGGGCCCCTGCGGCCCCAGCCCCG[C>G]CTTCCCGGGGGGCCTCCTGCTCTTCTTGGACCCCGACTGTGCCGCTTTGAGGCCAGGGAG-3'
Protein context (NP_000426.2, residues 2060-2080): SKKSRRPPGK[Ala2070Pro]GLGPQGPRGR

ClinVar aggregate classification (germline): Uncertain significance. Review status: criteria provided, multiple submitters, no conflicts (2 of 4 stars). 2 submissions from 2 submitters: Uncertain significance (2). Last evaluated 2024-11-05.

gnomAD v4.1: 45 of 1,531,010 alleles (0.0029%); highest among the groups gnomAD compares: Non-Finnish European, 0.0039%; no homozygotes.

Submissions (2):

GeneDx
Classification: Uncertain significance. Last evaluated: 2024-11-05. Review status: criteria provided, single submitter. Criteria: GeneDx Variant Classification Process June 2021. Collection method: clinical testing. Allele origin: germline. Affected: yes.
Comment: Not observed at significant frequency in large population cohorts (gnomAD); In silico analysis indicates that this missense variant does not alter protein structure/function; Has not been previously published as pathogenic or benign to our knowledge

Blueprint Genetics
Classification: Uncertain significance. Last evaluated: 2023-10-10. Review status: criteria provided, single submitter. Criteria: ACMG Guidelines, 2015. Collection method: clinical testing. Allele origin: germline.